The following is an entry in ClinVar:

NM_018368.4(LMBRD1):c.277A>G (p.Ile93Val)

Gene: LMBRD1 (LMBR1 domain containing 1; minus strand). Cytogenetic location: 6q13.
Variant type: single nucleotide variant.
Coding change: c.277A>G on transcript NM_018368.4 (MANE Select); coding-DNA position 277, A replaced by G.
Protein change: p.Ile93Val; replaces isoleucine 93 with valine.
Molecular consequence: missense variant.
Genome position (GRCh38, 1-based): chr6:69,780,524, T>C on the plus strand (A>G on the coding strand, the complement: LMBRD1 is on the minus strand). VCF-style: chr6-69780524-T-C. GRCh37 (hg19) VCF-style: chr6-70490416-T-C.
Other names: c.58A>G, p.Ile20Val (NM_001363722.2, NM_001367271.1, NM_001367272.1); c.277A>G (NM_018368.3); short protein forms I20V, I93V.
Identifiers: ClinVar variation 1486709 (VCV001486709.7), dbSNP rs771282181, ClinGen allele CA3879955.
Genomic context (GRCh38, chr6:69,780,524, plus strand): 5'-AAATAGGGAAAGAAACTGAAAGATACTTACTATAGTAACCGTATAATACAGTGTCCTCAA[T>C]CTGTCTGCTGACATTAGCATTAGCCCAGTCCTAGGATAAAAGGAAACAATAGAAATATTA-3'
Protein context (NP_060838.3, residues 83-103): DWANANVSRQ[Ile93Val]EDTVLYGYYT

ClinVar aggregate classification (germline): Uncertain significance. Review status: criteria provided, multiple submitters, no conflicts (2 of 4 stars). 2 submissions from 2 submitters: Uncertain significance (2). Last evaluated 2024-11-18.

Conditions:
Inborn genetic diseases. Identifiers: MedGen C0950123, MeSH D030342.
Methylmalonic aciduria and homocystinuria type cblF. Also called: VITAMIN B12 LYSOSOMAL RELEASE DEFECT; VITAMIN B12 STORAGE DISEASE; METHYLMALONIC ACIDEMIA AND HOMOCYSTINURIA, cblF TYPE; METHYLMALONIC ACIDURIA DUE TO VITAMIN B12-RELEASE DEFECT; COBALAMIN F DISEASE; COBALAMIN, DEFECT IN LYSOSOMAL RELEASE OF. Identifiers: Orphanet 79284, MedGen C1848578, MONDO:0010183, OMIM 277380.

Allele frequency attached by ClinVar (database versions not stated): gnomAD exomes 0.00001 and 0.00007; TOPMed 0.00002; gnomAD 0.00003; ExAC 0.00007.
gnomAD v4.1: 17 of 1,610,644 alleles (0.0011%); highest among the groups gnomAD compares: East Asian, 0.036%; no homozygotes.

Submissions (2):

Labcorp Genetics (formerly Invitae), Labcorp
Classification: Uncertain significance for Methylmalonic aciduria and homocystinuria type cblF. Last evaluated: 2024-11-18. Review status: criteria provided, single submitter. Criteria: Invitae Variant Classification Sherloc (09022015). Collection method: clinical testing. Allele origin: germline.
Comment: This sequence change replaces isoleucine, which is neutral and non-polar, with valine, which is neutral and non-polar, at codon 93 of the LMBRD1 protein (p.Ile93Val). This variant is present in population databases (rs771282181, gnomAD 0.08%). This variant has not been reported in the literature in individuals affected with LMBRD1-related conditions. ClinVar contains an entry for this variant (Variation ID: 1486709). Invitae Evidence Modeling of protein sequence and biophysical properties (such as structural, functional, and spatial information, amino acid conservation, physicochemical variation, residue mobility, and thermodynamic stability) indicates that this missense variant is not expected to disrupt LMBRD1 protein function with a negative predictive value of 80%. In summary, the available evidence is currently insufficient to determine the role of this variant in disease. Therefore, it has been classified as a Variant of Uncertain Significance.

Ambry Genetics
Classification: Uncertain significance for Inborn genetic diseases. Last evaluated: 2024-05-02. Review status: criteria provided, single submitter. Criteria: Ambry Variant Classification Scheme 2023. Collection method: clinical testing. Allele origin: germline.